The following is an entry in ClinVar:

NM_004181.5(UCHL1):c.545C>T (p.Pro182Leu)

Gene: UCHL1 (ubiquitin C-terminal hydrolase L1; plus strand). Cytogenetic location: 4p13.
Variant type: single nucleotide variant.
Coding change: c.545C>T on transcript NM_004181.5 (MANE Select); coding-DNA position 545, C replaced by T.
Protein change: p.Pro182Leu; replaces proline 182 with leucine.
Molecular consequence: missense variant.
Genome position (GRCh38, 1-based): chr4:41,264,121, C>T. VCF-style: chr4-41264121-C-T. GRCh37 (hg19) VCF-style: chr4-41266138-C-T.
Other names: short protein forms P182L.
Identifiers: ClinVar variation 4699567 (VCV004699567.1).
Genomic context (GRCh38, chr4:41,264,121, plus strand): 5'-AACATGCAGAGAAAATTGACATGCCTGGCTTCTTTGTTACAGATGGACGAATGCCTTTTC[C>T]GGTGAACCATGGCGCCAGTTCAGAGGACACCCTGCTGAAGGTCATCTTTGGAATGCATCT-3'
Protein context (NP_004172.2, residues 172-192): LYELDGRMPF[Pro182Leu]VNHGASSEDT

ClinVar aggregate classification (germline): Uncertain significance (1 of 4 stars; one submission).

gnomAD v4.1: 5 of 1,614,176 alleles (0.00031%); highest among the groups gnomAD compares: Non-Finnish European, 0.00017%; no homozygotes.

Submission:

Labcorp Genetics (formerly Invitae), Labcorp
Classification: Uncertain significance. Last evaluated: 2025-12-29. Review status: criteria provided, single submitter. Criteria: Invitae Variant Classification Sherloc (09022015). Collection method: clinical testing. Allele origin: germline.
Comment: This sequence change replaces proline, which is neutral and non-polar, with leucine, which is neutral and non-polar, at codon 182 of the UCHL1 protein (p.Pro182Leu). This variant is present in population databases (rs748642283, gnomAD 0.0009%). This variant has not been reported in the literature in individuals affected with UCHL1-related conditions. An algorithm developed to predict the effect of missense changes on protein structure and function (PolyPhen-2) suggests that this variant is likely to be disruptive. In summary, the available evidence is currently insufficient to determine the role of this variant in disease. Therefore, it has been classified as a Variant of Uncertain Significance.